The following is an entry in ClinVar:

ClinVar aggregate classification (germline): Pathogenic/Likely pathogenic. Review status: criteria provided, multiple submitters, no conflicts (2 of 4 stars). 2 submissions from 2 submitters: Pathogenic (1); Likely pathogenic (1). Last evaluated 2025-05-13.

Conditions:
Lysosomal acid lipase deficiency. Also called: Acid cholesteryl ester hydrolase deficiency, type 2. Identifiers: Orphanet 275761, MedGen C5574740, MONDO:0800449, MONDO:0010204.
Wolman disease (WOLD). Also called: LYSOSOMAL ACID LIPASE DEFICIENCY, ACUTE INFANTILE; LYSOSOMAL ACID LIPASE DEFICIENCY, COMPLETE; LIPA DEFICIENCY, COMPLETE; LAL DEFICIENCY, COMPLETE; CHOLESTEROL ESTER HYDROLASE DEFICIENCY, COMPLETE; Infantile-Onset LAL-D (Wolman Disease). Identifiers: Orphanet 75233, MedGen C0043208, MONDO:0019148, OMIM 620151.

Submissions (2):

Labcorp Genetics (formerly Invitae), Labcorp
Classification: Pathogenic for Wolman disease. Last evaluated: 2025-05-13. Review status: criteria provided, single submitter. Criteria: Invitae Variant Classification Sherloc (09022015). Collection method: clinical testing. Allele origin: germline.
Comment: This sequence change creates a premature translational stop signal (p.Thr327Asnfs*4) in the LIPA gene. While this is not anticipated to result in nonsense mediated decay, it is expected to disrupt the last 73 amino acid(s) of the LIPA protein. This variant is not present in population databases (gnomAD no frequency). This premature translational stop signal has been observed in individual(s) with cholesterol ester storage disease (PMID: 1056246). ClinVar contains an entry for this variant (Variation ID: 1070184). This variant disrupts a region of the LIPA protein in which other variant(s) (p.Leu357Pro) have been determined to be pathogenic (PMID: 7499245, 7773732, 31131398, 31180157). This suggests that this is a clinically significant region of the protein, and that variants that disrupt it are likely to be disease-causing. For these reasons, this variant has been classified as Pathogenic.

Natera, Inc.
Classification: Likely pathogenic for Lysosomal acid lipase deficiency. Last evaluated: 2024-10-29. Review status: criteria provided, single submitter. Criteria: Natera Variant Classification Schema (03/2026). Collection method: clinical testing. Allele origin: germline.
Comment: The c.980delC variant in LIPA is a frameshift variant predicted to shift the reading frame beginning at codon 327 and leads to a stop codon 4 codons downstream. This variant is expected to result in nonsense mediated decay, truncation, or a dysfunctional protein product. This variant is rare in the general population with a frequency below the threshold expected for the associated phenotype(s). This variant has been observed in one or more individuals affected with the associated recessive disease, as either homozygous or compound heterozygous with a second variant (PMID: 10562460, 31249784). Given the available evidence, this variant is classified as Likely Pathogenic.

Literature cited by the submitters: PubMed 1056246 (cited by Labcorp Genetics (formerly Invitae), Labcorp); PubMed 7499245 (cited by Labcorp Genetics (formerly Invitae), Labcorp); PubMed 7773732 (cited by Labcorp Genetics (formerly Invitae), Labcorp); PubMed 31131398 (cited by Labcorp Genetics (formerly Invitae), Labcorp); PubMed 31180157 (cited by Labcorp Genetics (formerly Invitae), Labcorp); PubMed 10562460 (cited by Natera, Inc.); PubMed 31249784 (cited by Natera, Inc.).

NM_000235.4(LIPA):c.980del (p.Thr327fs)

Gene: LIPA (lipase A, lysosomal acid type; minus strand). Cytogenetic location: 10q23.31.
Variant type: Deletion.
Coding change: c.980del on transcript NM_000235.4 (MANE Select); coding-DNA position 980, one base deleted (C; older notation c.980delC).
Protein change: p.Thr327fs; shifts the reading frame from threonine 327.
Molecular consequence: frameshift variant.
Genome position (GRCh38, 1-based): chr10:89,215,048, G deleted on the plus strand (C on the coding strand, the reverse complement: LIPA is on the minus strand). VCF-style (leftmost placement, unchanged base first): chr10-89215047-TG-T. GRCh37 (hg19) VCF-style: chr10-90974804-TG-T.
Other names: c.980del, p.Thr327fs (NM_001127605.3); c.632del, p.Thr211fs (NM_001288979.2); c.980delC (NM_000235.3); short protein forms T211fs, T327fs.
Identifiers: ClinVar variation 1070184 (VCV001070184.8), dbSNP rs2133412083, ClinGen allele CA2499220477.